The following is an entry in ClinVar:

ClinVar aggregate classification (germline): Conflicting classifications of pathogenicity. Review status: criteria provided, conflicting classifications (1 of 4 stars). 4 submissions from 4 submitters: Likely pathogenic (3); Uncertain significance (1). Last evaluated 2025-09-02.

Conditions:
Alport syndrome. Also called: Hemorrhagic familial nephritis; Hemorrhagic hereditary nephritis; Congenital hereditary hematuria. Identifiers: Orphanet 63, MedGen C1567741, MONDO:0018965.
Autosomal recessive Alport syndrome (ATS2). Also called: ALPORT SYNDROME 2, AUTOSOMAL RECESSIVE; COL4A4 Alport Syndrome and Thin Basement Membrane Nephropathy; Alport syndrome type 2; COL4A3-Related Nephropathy. Identifiers: Orphanet 63, Orphanet 88919, MedGen C4746745, MONDO:0008762, OMIM 203780.
Hematuria, benign familial, 1 (BFH1). Also called: THIN MEMBRANE NEPHROPATHY. Identifiers: MedGen CN376803, MONDO:0007709, OMIM 141200.

Allele frequency attached by ClinVar (database versions not stated): TOPMed below 0.00001.

Submissions (4):

Natera, Inc.
Classification: Likely pathogenic for Alport syndrome. Last evaluated: 2025-09-02. Review status: criteria provided, single submitter. Criteria: Natera Variant Classification Schema (03/2026). Collection method: clinical testing. Allele origin: germline.
Comment: The c.2057G>A variant in COL4A4 is a missense variant predicted to cause substitution of glycine to aspartic acid at amino acid 686. This variant is rare in the general population with a frequency below the threshold expected for the associated phenotype(s). This variant is located in a functionally critical region of the protein. Computational prediction algorithms indicate this variant is likely to affect gene or protein function. Given the available evidence, this variant is classified as Likely Pathogenic.

MVZ Medizinische Genetik Mainz
Classification: Likely pathogenic for Autosomal recessive Alport syndrome. Last evaluated: 2025-07-03. Review status: criteria provided, single submitter. Criteria: UK Practice Guidelines For Variant Classification V4 01 2020. Collection method: clinical testing. Allele origin: germline. Inheritance: Autosomal recessive inheritance. Affected: yes. Observed: 1 variant allele.
Comment: ACMG Criteria: PM1_STR,PM2_SUP,PP3,PP4

Fulgent Genetics
Classification: Likely pathogenic for Hematuria, benign familial, 1; Autosomal recessive Alport syndrome. Last evaluated: 2024-03-18. Review status: criteria provided, single submitter. Criteria: ACMG Guidelines, 2015. Collection method: clinical testing. Allele origin: germline.

Labcorp Genetics (formerly Invitae), Labcorp
Classification: Uncertain significance. Last evaluated: 2023-02-04. Review status: criteria provided, single submitter. Criteria: Invitae Variant Classification Sherloc (09022015). Collection method: clinical testing. Allele origin: germline.
Comment: In summary, the available evidence is currently insufficient to determine the role of this variant in disease. Therefore, it has been classified as a Variant of Uncertain Significance. Algorithms developed to predict the effect of missense changes on protein structure and function are either unavailable or do not agree on the potential impact of this missense change (SIFT: "Deleterious"; PolyPhen-2: "Probably Damaging"; Align-GVGD: "Class C0"). ClinVar contains an entry for this variant (Variation ID: 1005813). This missense change has been observed in individual(s) with clinical features of COL4A4-related conditions (Invitae). This variant is not present in population databases (gnomAD no frequency). This sequence change replaces glycine, which is neutral and non-polar, with aspartic acid, which is acidic and polar, at codon 686 of the COL4A4 protein (p.Gly686Asp).

NM_000092.5(COL4A4):c.2057G>A (p.Gly686Asp)

Gene: COL4A4 (collagen type IV alpha 4 chain; minus strand). Cytogenetic location: 2q36.3.
Variant type: single nucleotide variant.
Coding change: c.2057G>A on transcript NM_000092.5 (MANE Select); coding-DNA position 2057, G replaced by A.
Protein change: p.Gly686Asp; replaces glycine 686 with aspartic acid.
Molecular consequence: missense variant.
Genome position (GRCh38, 1-based): chr2:227,060,243, C>T on the plus strand (G>A on the coding strand, the complement: COL4A4 is on the minus strand). VCF-style: chr2-227060243-C-T. GRCh37 (hg19) VCF-style: chr2-227924959-C-T.
Other names: c.2057G>A (NM_000092.4); short protein forms G686D.
Identifiers: ClinVar variation 1005813 (VCV001005813.13), dbSNP rs1156323870, ClinGen allele CA350842476.